The following is an entry in ClinVar:

NM_182493.3(MYLK3):c.1541A>T (p.Glu514Val)

Gene: MYLK3 (myosin light chain kinase 3; minus strand). Cytogenetic location: 16q11.2.
Variant type: single nucleotide variant.
Coding change: c.1541A>T on transcript NM_182493.3 (MANE Select); coding-DNA position 1541, A replaced by T.
Protein change: p.Glu514Val; replaces glutamic acid 514 with valine.
Molecular consequence: missense variant.
Genome position (GRCh38, 1-based): chr16:46,730,620, T>A on the plus strand (A>T on the coding strand, the complement: MYLK3 is on the minus strand). VCF-style: chr16-46730620-T-A. GRCh37 (hg19) VCF-style: chr16-46764532-T-A.
Other names: c.1541A>T (NM_182493.2); c.518A>T, p.Glu173Val (NM_001308301.1); short protein forms E514V, E173V.
Identifiers: ClinVar variation 1517633 (VCV001517633.9), dbSNP rs541334771, ClinGen allele CA8037949.

ClinVar aggregate classification (germline): Uncertain significance. Review status: criteria provided, multiple submitters, no conflicts (2 of 4 stars). 2 submissions from 2 submitters: Uncertain significance (2). Last evaluated 2023-10-08.

Allele frequency attached by ClinVar (database versions not stated): gnomAD exomes below 0.00001 and 0.00001; ExAC 0.00001; gnomAD 0.00001; 1000 Genomes Project 30x 0.00016; 1000 Genomes Project 0.00020.
gnomAD v4.1: 5 of 1,613,802 alleles (0.00031%); highest among the groups gnomAD compares: East Asian, 0.0067%; no homozygotes.

Submissions (2):

Labcorp Genetics (formerly Invitae), Labcorp
Classification: Uncertain significance. Last evaluated: 2023-10-08. Review status: criteria provided, single submitter. Criteria: Invitae Variant Classification Sherloc (09022015). Collection method: clinical testing. Allele origin: germline.
Comment: This sequence change replaces glutamic acid, which is acidic and polar, with valine, which is neutral and non-polar, at codon 514 of the MYLK3 protein (p.Glu514Val). This variant is present in population databases (rs541334771, gnomAD 0.006%). This variant has not been reported in the literature in individuals affected with MYLK3-related conditions. ClinVar contains an entry for this variant (Variation ID: 1517633). An algorithm developed to predict the effect of missense changes on protein structure and function (PolyPhen-2) suggests that this variant is likely to be tolerated. Algorithms developed to predict the effect of sequence changes on RNA splicing suggest that this variant may disrupt the consensus splice site. In summary, the available evidence is currently insufficient to determine the role of this variant in disease. Therefore, it has been classified as a Variant of Uncertain Significance.

Ambry Genetics
Classification: Uncertain significance. Last evaluated: 2023-05-03. Review status: criteria provided, single submitter. Criteria: Ambry Variant Classification Scheme 2023. Collection method: clinical testing. Allele origin: germline.